The following is an entry in ClinVar:

NM_019109.5(ALG1):c.825G>A (p.Glu275=)

Gene: ALG1 (ALG1 chitobiosyldiphosphodolichol beta-mannosyltransferase; plus strand). Cytogenetic location: 16p13.3.
Variant type: single nucleotide variant.
Coding change: c.825G>A on transcript NM_019109.5 (MANE Select); coding-DNA position 825, G replaced by A.
Protein change: p.Glu275=; no amino-acid change (glutamic acid 275 retained).
Molecular consequence: synonymous variant.
Genome position (GRCh38, 1-based): chr16:5,078,841, G>A. VCF-style: chr16-5078841-G-A. GRCh37 (hg19) VCF-style: chr16-5128842-G-A.
Other names: c.492G>A, p.Glu164= (NM_001330504.2).
Identifiers: ClinVar variation 3030863 (VCV003030863.2), dbSNP rs754552258, ClinGen allele CA493335314.
Genomic context (GRCh38, chr16:5,078,841, plus strand): 5'-GGAGCGGTCGGCCTTCACGGAGCGGGATGCTGGGAGCGGGCTGGTGACGCGTCTCCGTGA[G>A]CGGCCAGCCCTGCTGGTCAGCAGCACGAGCTGGACAGGTCTGCAGGACCCCTGGGGCACT-3'
Protein context (NP_061982.3, residues 265-285): AGSGLVTRLR[Glu275=]RPALLVSSTS

ClinVar aggregate classification (germline): Likely benign (0 of 4 stars; one submission).

Conditions:
ALG1-related disorder. Also called: ALG1-related condition.

gnomAD v4.1: 18 of 1,611,982 alleles (0.0011%); highest among the groups gnomAD compares: South Asian, 0.0033%; 1 homozygote.

Submission:

PreventionGenetics, part of Exact Sciences
Classification: Likely benign for ALG1-related condition. Last evaluated: 2020-11-24. Review status: no assertion criteria provided. Collection method: clinical testing. Allele origin: germline.
Comment: This variant is classified as likely benign based on ACMG/AMP sequence variant interpretation guidelines (Richards et al. 2015 PMID: 25741868, with internal and published modifications).